The following is an entry in ClinVar:

NM_003590.5(CUL3):c.1831T>A (p.Tyr611Asn)

Gene: CUL3 (cullin 3; minus strand). Cytogenetic location: 2q36.2.
Variant type: single nucleotide variant.
Coding change: c.1831T>A on transcript NM_003590.5 (MANE Select); coding-DNA position 1831, T replaced by A.
Protein change: p.Tyr611Asn; replaces tyrosine 611 with asparagine.
Molecular consequence: missense variant.
Genome position (GRCh38, 1-based): chr2:224,495,843, A>T on the plus strand (T>A on the coding strand, the complement: CUL3 is on the minus strand). VCF-style: chr2-224495843-A-T. GRCh37 (hg19) VCF-style: chr2-225360560-A-T.
Other names: c.1633T>A, p.Tyr545Asn (NM_001257197.2); c.1849T>A, p.Tyr617Asn (NM_001257198.2); short protein forms Y545N, Y611N, Y617N.
Identifiers: ClinVar variation 3627209 (VCV003627209.2).

ClinVar aggregate classification (germline): Uncertain significance (1 of 4 stars; one submission).

gnomAD v4.1: 58 of 1,610,100 alleles (0.0036%); highest among the groups gnomAD compares: Non-Finnish European, 0.0047%; no homozygotes.

Submission:

Labcorp Genetics (formerly Invitae), Labcorp
Classification: Uncertain significance. Last evaluated: 2026-01-05. Review status: criteria provided, single submitter. Criteria: Invitae Variant Classification Sherloc (09022015). Collection method: clinical testing. Allele origin: germline.
Comment: This sequence change replaces tyrosine, which is neutral and polar, with asparagine, which is neutral and polar, at codon 611 of the CUL3 protein (p.Tyr611Asn). This variant is present in population databases (rs750401779, gnomAD 0.01%). This variant has not been reported in the literature in individuals affected with CUL3-related conditions. ClinVar contains an entry for this variant (Variation ID: 3627209). Invitae Evidence Modeling of protein sequence and biophysical properties (such as structural, functional, and spatial information, amino acid conservation, physicochemical variation, residue mobility, and thermodynamic stability) has been performed for this missense variant. However, the output from this modeling did not meet the statistical confidence thresholds required to predict the impact of this variant on CUL3 protein function. In summary, the available evidence is currently insufficient to determine the role of this variant in disease. Therefore, it has been classified as a Variant of Uncertain Significance.